The following is an entry in ClinVar:

ClinVar aggregate classification (germline): Uncertain significance. Review status: criteria provided, multiple submitters, no conflicts (2 of 4 stars). 4 submissions from 4 submitters: Uncertain significance (3). 1 of the submissions does not count toward it. Last evaluated 2023-10-02.

Conditions:
Autosomal recessive limb-girdle muscular dystrophy type 2E (LGMDR4). Also called: MUSCULAR DYSTROPHY, LIMB-GIRDLE, AUTOSOMAL RECESSIVE 4. Identifiers: Orphanet 119, MedGen C1858593, MONDO:0011423, OMIM 604286. Disease mechanism: Affects gamma-sarcoglycan and also disrupts the integrity of the entire sarcoglycan complex..
Qualitative or quantitative defects of beta-sarcoglycan. Identifiers: Orphanet 207063, MedGen C2930900, MONDO:0016142.

Allele frequency attached by ClinVar (database versions not stated): gnomAD exomes 0.00002 and 0.00012; gnomAD 0.00005 and 0.00006.
gnomAD v4.1: 36 of 1,285,716 alleles (0.0028%); highest among the groups gnomAD compares: Non-Finnish European, 0.0016%; no homozygotes.

Submissions (4):

Revvity Omics, Revvity
Classification: Uncertain significance for Autosomal recessive limb-girdle muscular dystrophy type 2E. Last evaluated: 2023-10-02. Review status: criteria provided, single submitter. Criteria: ACMG Guidelines, 2015. Collection method: clinical testing. Allele origin: germline.

Labcorp Genetics (formerly Invitae), Labcorp
Classification: Uncertain significance for Autosomal recessive limb-girdle muscular dystrophy type 2E. Last evaluated: 2022-07-01. Review status: criteria provided, single submitter. Criteria: Invitae Variant Classification Sherloc (09022015). Collection method: clinical testing. Allele origin: germline.
Comment: This sequence change replaces glutamic acid, which is acidic and polar, with glycine, which is neutral and non-polar, at codon 10 of the SGCB protein (p.Glu10Gly). This variant is present in population databases (no rsID available, gnomAD 0.1%). This variant has not been reported in the literature in individuals affected with SGCB-related conditions. ClinVar contains an entry for this variant (Variation ID: 577280). Algorithms developed to predict the effect of missense changes on protein structure and function (SIFT, PolyPhen-2, Align-GVGD) all suggest that this variant is likely to be tolerated. In summary, the available evidence is currently insufficient to determine the role of this variant in disease. Therefore, it has been classified as a Variant of Uncertain Significance.

Illumina Laboratory Services, Illumina
Classification: Uncertain significance for Qualitative or quantitative defects of beta-sarcoglycan. Last evaluated: 2018-03-16. Review status: criteria provided, single submitter. Criteria: ICSL Variant Classification Criteria 13 December 2019. Collection method: clinical testing. Allele origin: germline.

Natera, Inc.
Classification: Uncertain significance for Limb-girdle muscular dystrophy type 2E. Last evaluated: 2019-11-11. Review status: no assertion criteria provided. Collection method: clinical testing. Allele origin: germline. Not counted in ClinVar's aggregate classification.

NM_000232.5(SGCB):c.29A>G (p.Glu10Gly)

Genes: SGCB (sarcoglycan beta; minus strand), LOC129992585 (ATAC-STARR-seq lymphoblastoid silent region 15421; plus strand). Cytogenetic location: 4q12.
Variant type: single nucleotide variant.
Coding change: c.29A>G on transcript NM_000232.5 (MANE Select); coding-DNA position 29, A replaced by G.
Protein change: p.Glu10Gly; replaces glutamic acid 10 with glycine.
Molecular consequence: missense variant.
Genome position (GRCh38, 1-based): chr4:52,038,231, T>C on the plus strand (A>G on the coding strand, the complement: SGCB is on the minus strand). VCF-style: chr4-52038231-T-C. GRCh37 (hg19) VCF-style: chr4-52904397-T-C.
Other names: short protein forms E10G.
Identifiers: ClinVar variation 577280 (VCV000577280.11), dbSNP rs1452778513, ClinGen allele CA356878675.